The following is an entry in ClinVar:

NM_001267550.2(TTN):c.49207T>C (p.Ser16403Pro)

Genes: TTN (titin; minus strand), TTN-AS1 (TTN antisense RNA 1; plus strand), LOC126806426 (BRD4-independent group 4 enhancer GRCh37_chr2:179478848-179480047; plus strand). Cytogenetic location: 2q31.2.
Variant type: single nucleotide variant.
Coding change: c.49207T>C on transcript NM_001267550.2 (MANE Select); coding-DNA position 49207, T replaced by C.
Protein change: p.Ser16403Pro; replaces serine 16403 with proline.
Molecular consequence: missense variant. On other transcripts: non-coding transcript variant (1).
Genome position (GRCh38, 1-based): chr2:178,614,190, A>G on the plus strand (T>C on the coding strand, the complement: TTN is on the minus strand). VCF-style: chr2-178614190-A-G. GRCh37 (hg19) VCF-style: chr2-179478917-A-G.
Other names: c.44284T>C, p.Ser14762Pro (NM_001256850.1); c.22012T>C, p.Ser7338Pro (NM_003319.4); c.41503T>C, p.Ser13835Pro (NM_133378.4); c.22387T>C, p.Ser7463Pro (NM_133432.3); c.22588T>C, p.Ser7530Pro (NM_133437.4); c.49207T>C (NM_001267550.1); short protein forms S13835P, S16403P, S7338P, S7463P, S14762P, S7530P.
Identifiers: ClinVar variation 191951 (VCV000191951.6), dbSNP rs746009199, ClinGen allele CA237948.

ClinVar aggregate classification (germline): Conflicting classifications of pathogenicity. Review status: criteria provided, conflicting classifications (1 of 4 stars). 4 submissions from 4 submitters: Uncertain significance (3); Benign (1). Last evaluated 2026-02-17.

Conditions:
TTN-related disorder. Also called: TTN-related condition; TTN-related disease; TTN-related disorders.
Cardiovascular phenotype. Identifiers: MedGen CN230736.

Allele frequency attached by ClinVar (database versions not stated): gnomAD exomes below 0.00001; gnomAD 0.00003; TOPMed 0.00003.
gnomAD v4.1: 5 of 1,612,302 alleles (0.00031%); highest among the groups gnomAD compares: African/African-American, 0.0067%; no homozygotes.

Submissions (4):

PreventionGenetics, part of Exact Sciences
Classification: Uncertain significance for TTN-related condition. Last evaluated: 2026-02-17. Review status: criteria provided, single submitter. Criteria: ACMG Guidelines, 2015. Collection method: clinical testing. Allele origin: germline.
Comment: The TTN c.49207T>C variant is predicted to result in the amino acid substitution p.Ser16403Pro. This variant has been reported in an individual who underwent exome sequencing (referred to as c.41503T>C, p.Ser13835Pro from transcript NM_133378 in Supplemental Table 3, Ng et al. 2013. PubMed ID: 23861362). This variant is reported in 0.0065% of alleles in individuals of African descent in gnomAD. At this time, the clinical significance of this variant is uncertain due to the absence of conclusive functional and genetic evidence.

GeneDx
Classification: Uncertain significance. Last evaluated: 2024-09-16. Review status: criteria provided, single submitter. Criteria: GeneDx Variant Classification Process June 2021. Collection method: clinical testing. Allele origin: germline. Affected: yes.
Comment: Not observed at significant frequency in large population cohorts (gnomAD); Missense variant in a gene in which most reported pathogenic variants are truncating/loss of function; Has not been previously published as pathogenic or benign to our knowledge; This variant is associated with the following publications: (PMID: 23861362)

Ambry Genetics
Classification: Benign for Cardiovascular phenotype. Last evaluated: 2024-07-23. Review status: criteria provided, single submitter. Criteria: Ambry Variant Classification Scheme 2023. Collection method: clinical testing. Allele origin: germline.

Biesecker Lab/Clinical Genomics Section, National Institutes of Health
Classification: Uncertain significance. Last evaluated: 2013-06-24. Review status: criteria provided, single submitter. Criteria: Ng et al. (Circ Cardiovasc Genet. 2013). Collection method: research. Allele origin: unknown. Observed: 1 variant allele. Study: ClinSeq.
Comment: The study set was not selected for affection status in relation to any cancer. Pathogenicity categories were based on literature curation. See Pubmed ID:23861362 for details.

Medical sequencing

Literature cited by the submitters: PubMed 23861362 (cited by Ambry Genetics).